The following is an entry in ClinVar:

ClinVar aggregate classification (germline): Benign/Likely benign. Review status: criteria provided, multiple submitters, no conflicts (2 of 4 stars). 2 submissions from 2 submitters: Benign (1); Likely benign (1). Last evaluated 2024-10-10.

Conditions:
Hereditary diffuse gastric adenocarcinoma (HDGC). Also called: DIFFUSE GASTRIC AND LOBULAR BREAST CANCER SYNDROME. Identifiers: Orphanet 26106, MedGen C1708349, MONDO:0007648, OMIM 137215.

Submissions (2):

Myriad Genetics, Inc.
Classification: Benign for Hereditary diffuse gastric adenocarcinoma. Last evaluated: 2024-10-10. Review status: criteria provided, single submitter. Criteria: Myriad Autosomal Dominant, Autosomal Recessive and X-Linked Classification Criteria (2023). Collection method: clinical testing. Allele origin: unknown.
Comment: This variant is considered benign. This variant is a silent/synonymous amino acid change and it is not expected to impact splicing.

Labcorp Genetics (formerly Invitae), Labcorp
Classification: Likely benign. Last evaluated: 2023-05-27. Review status: criteria provided, single submitter. Criteria: Invitae Variant Classification Sherloc (09022015). Collection method: clinical testing. Allele origin: germline.

NM_001903.5(CTNNA1):c.1038C>T (p.Asp346=)

Gene: CTNNA1 (catenin alpha 1; plus strand). Cytogenetic location: 5q31.2.
Variant type: single nucleotide variant.
Coding change: c.1038C>T on transcript NM_001903.5 (MANE Select); coding-DNA position 1038, C replaced by T.
Protein change: p.Asp346=; no amino-acid change (aspartic acid 346 retained).
Molecular consequence: synonymous variant.
Genome position (GRCh38, 1-based): chr5:138,827,694, C>T. VCF-style: chr5-138827694-C-T. GRCh37 (hg19) VCF-style: chr5-138163383-C-T.
Other names: c.1038C>T, p.Asp346= (NM_001290307.3, NM_001323982.2, NM_001323983.1 and 3 more transcripts); c.729C>T, p.Asp243= (NM_001290309.3); c.669C>T, p.Asp223= (NM_001290310.3).
Identifiers: ClinVar variation 2737795 (VCV002737795.4), dbSNP rs2532448299, ClinGen allele CA446595539.
Genomic context (GRCh38, chr5:138,827,694, plus strand): 5'-TGATGACCGTCGTGAGCGAATTGTGGCAGAGTGTAATGCTGTCCGCCAGGCCCTGCAGGA[C>T]CTGCTTTCGGAGTACATGGGCAATGTGAGTTTGACAGCTTTTCTTTGAAGTAAGATATTT-3'
Protein context (NP_001894.2, residues 336-356): ECNAVRQALQ[Asp346=]LLSEYMGNAG